The following is an entry in ClinVar:

NM_001171613.2(PREPL):c.318G>A (p.Met106Ile)

Gene: PREPL (prolyl endopeptidase like; minus strand). Cytogenetic location: 2p21.
Variant type: single nucleotide variant.
Coding change: c.318G>A on transcript NM_001171613.2 (MANE Select); coding-DNA position 318, G replaced by A.
Protein change: p.Met106Ile; replaces methionine 106 with isoleucine.
Molecular consequence: missense variant.
Genome position (GRCh38, 1-based): chr2:44,343,776, C>T on the plus strand (G>A on the coding strand, the complement: PREPL is on the minus strand). VCF-style: chr2-44343776-C-T. GRCh37 (hg19) VCF-style: chr2-44570915-C-T.
Other names: c.585G>A, p.Met195Ile (NM_006036.4, NM_001042385.2, NM_001042386.2 and 4 more transcripts); c.318G>A, p.Met106Ile (NM_001171617.1, NM_001374277.1); short protein forms M106I, M195I.
Identifiers: ClinVar variation 840682 (VCV000840682.9), dbSNP rs1231458004, ClinGen allele CA346693299.
Genomic context (GRCh38, chr2:44,343,776, plus strand): 5'-ACAGAGGACTATTTTGGTTGGTGGCTTACCAAAACTGGACACATTCGGGAAAGAAGCTTC[C>T]ATTACGGGCTGATCGCTGAGCTTTATAATTACACAGGTAGATGCTTCAGAATCTTCAGTT-3'
Protein context (NP_001165084.1, residues 96-116): VIIKLSDQPV[Met106Ile]EASFPNVSSF

ClinVar aggregate classification (germline): Uncertain significance (1 of 4 stars; one submission).

Conditions:
Myasthenic syndrome, congenital, 22 (CMS22). Also called: PREPL DEFICIENCY. Identifiers: MedGen C4479088, MONDO:0044299, OMIM 616224.

Allele frequency attached by ClinVar (database versions not stated): gnomAD 0.00001; gnomAD exomes 0.00001; TOPMed 0.00003.

Submission:

Labcorp Genetics (formerly Invitae), Labcorp
Classification: Uncertain significance for Myasthenic syndrome, congenital, 22. Last evaluated: 2022-07-05. Review status: criteria provided, single submitter. Criteria: Invitae Variant Classification Sherloc (09022015). Collection method: clinical testing. Allele origin: germline.
Comment: This sequence change replaces methionine, which is neutral and non-polar, with isoleucine, which is neutral and non-polar, at codon 195 of the PREPL protein (p.Met195Ile). This variant is present in population databases (no rsID available, gnomAD 0.009%). This variant has not been reported in the literature in individuals affected with PREPL-related conditions. ClinVar contains an entry for this variant (Variation ID: 840682). Algorithms developed to predict the effect of missense changes on protein structure and function (SIFT, PolyPhen-2, Align-GVGD) all suggest that this variant is likely to be tolerated. In summary, the available evidence is currently insufficient to determine the role of this variant in disease. Therefore, it has been classified as a Variant of Uncertain Significance.